The following is an entry in ClinVar:

NM_016111.4(TELO2):c.1429G>A (p.Val477Ile)

Gene: TELO2 (telomere maintenance 2; plus strand). Cytogenetic location: 16p13.3.
Variant type: single nucleotide variant.
Coding change: c.1429G>A on transcript NM_016111.4 (MANE Select); coding-DNA position 1429, G replaced by A.
Protein change: p.Val477Ile; replaces valine 477 with isoleucine.
Molecular consequence: missense variant.
Genome position (GRCh38, 1-based): chr16:1,501,730, G>A. VCF-style: chr16-1501730-G-A. GRCh37 (hg19) VCF-style: chr16-1551731-G-A.
Other names: c.1429G>A, p.Val477Ile (NM_001351846.2); short protein forms V477I.
Identifiers: ClinVar variation 1930435 (VCV001930435.6), dbSNP rs572277163, ClinGen allele CA7812135.

ClinVar aggregate classification (germline): Uncertain significance. Review status: criteria provided, multiple submitters, no conflicts (2 of 4 stars). 2 submissions from 2 submitters: Uncertain significance (2). Last evaluated 2026-09-01.

Allele frequency attached by ClinVar (database versions not stated): ExAC 0.00001; gnomAD exomes 0.00002; gnomAD 0.00003.

Submissions (2):

CeGaT Center for Human Genetics Tuebingen
Classification: Uncertain significance. Last evaluated: 2026-09-01. Review status: criteria provided, single submitter. Criteria: CeGaT Center For Human Genetics Tuebingen Variant Classification Criteria Version 2. Collection method: clinical testing. Allele origin: germline. Affected: yes. Observed: 1 variant allele.
Comment: TELO2: PM2, BP4

Labcorp Genetics (formerly Invitae), Labcorp
Classification: Uncertain significance. Last evaluated: 2022-02-28. Review status: criteria provided, single submitter. Criteria: Invitae Variant Classification Sherloc (09022015). Collection method: clinical testing. Allele origin: germline.
Comment: This sequence change replaces valine, which is neutral and non-polar, with isoleucine, which is neutral and non-polar, at codon 477 of the TELO2 protein (p.Val477Ile). This variant is present in population databases (rs572277163, gnomAD 0.01%). In summary, the available evidence is currently insufficient to determine the role of this variant in disease. Therefore, it has been classified as a Variant of Uncertain Significance. Algorithms developed to predict the effect of missense changes on protein structure and function (SIFT, PolyPhen-2, Align-GVGD) all suggest that this variant is likely to be tolerated. This variant has not been reported in the literature in individuals affected with TELO2-related conditions.